The following is an entry in ClinVar:

NM_000535.7(PMS2):c.130G>C (p.Glu44Gln)

Gene: PMS2 (PMS1 homolog 2, mismatch repair system component; minus strand). Cytogenetic location: 7p22.1.
Variant type: single nucleotide variant.
Coding change: c.130G>C on transcript NM_000535.7 (MANE Select); coding-DNA position 130, G replaced by C.
Protein change: p.Glu44Gln; replaces glutamic acid 44 with glutamine.
Molecular consequence: missense variant. On other transcripts: 5 prime UTR variant (8), non-coding transcript variant (1), intron variant (3).
Genome position (GRCh38, 1-based): chr7:6,005,925, C>G on the plus strand (G>C on the coding strand, the complement: PMS2 is on the minus strand). VCF-style: chr7-6005925-C-G. GRCh37 (hg19) VCF-style: chr7-6045556-C-G.
Other names: c.-276G>C (NM_001322003.2, NM_001322005.2, NM_001322009.2 and 1 more transcripts); c.130G>C, p.Glu44Gln (NM_001322006.2, NM_001322014.2); c.-86G>C (NM_001322007.2); c.-755G>C (NM_001322011.2, NM_001322012.2); c.-355G>C (NM_001322015.2); c.-52-1867G>C (NM_001322008.2); c.-242-1867G>C (NM_001322010.2, NM_001322004.2); short protein forms E44Q.
Identifiers: ClinVar variation 186069 (VCV000186069.26), dbSNP rs786202669, ClinGen allele CA009505.

ClinVar aggregate classification (germline): Uncertain significance. Review status: criteria provided, multiple submitters, no conflicts (2 of 4 stars). 4 submissions from 4 submitters: Uncertain significance (4). Last evaluated 2025-05-23.

Conditions:
Hereditary nonpolyposis colorectal neoplasms. Identifiers: MedGen C0009405, MeSH D003123.
Hereditary cancer-predisposing syndrome. Also called: Hereditary neoplastic syndrome; Neoplastic Syndromes, Hereditary; Tumor predisposition; Hereditary Cancer Syndrome. Identifiers: Orphanet 140162, MedGen C0027672, MeSH D009386, MONDO:0015356.

Allele frequency attached by ClinVar (database versions not stated): gnomAD exomes below 0.00001; TOPMed below 0.00001; gnomAD 0.00001.
gnomAD v4.1: 2 of 1,610,766 alleles (0.00012%); highest among the groups gnomAD compares: Non-Finnish European, 0.00017%; no homozygotes.

Submissions (4):

Ambry Genetics
Classification: Uncertain significance for Hereditary cancer-predisposing syndrome. Last evaluated: 2025-05-23. Review status: criteria provided, single submitter. Criteria: Ambry Variant Classification Scheme 2023. Collection method: clinical testing. Allele origin: germline.
Comment: The p.E44Q variant (also known as c.130G>C), located in coding exon 2 of the PMS2 gene, results from a G to C substitution at nucleotide position 130. The glutamic acid at codon 44 is replaced by glutamine, an amino acid with highly similar properties. This amino acid position is highly conserved in available vertebrate species. In addition, this alteration is predicted to be deleterious by in silico analysis. Based on the available evidence, the clinical significance of this variant remains unclear.

Labcorp Genetics (formerly Invitae), Labcorp
Classification: Uncertain significance for Hereditary nonpolyposis colorectal neoplasms. Last evaluated: 2024-12-04. Review status: criteria provided, single submitter. Criteria: Invitae Variant Classification Sherloc (09022015). Collection method: clinical testing. Allele origin: germline.
Comment: This sequence change replaces glutamic acid, which is acidic and polar, with glutamine, which is neutral and polar, at codon 44 of the PMS2 protein (p.Glu44Gln). This variant is not present in population databases (gnomAD no frequency). This variant has not been reported in the literature in individuals affected with PMS2-related conditions. ClinVar contains an entry for this variant (Variation ID: 186069). Invitae Evidence Modeling incorporating data from in vitro experimental studies (internal data) indicates that this missense variant is expected to disrupt PMS2 function with a positive predictive value of 95%. In summary, the available evidence is currently insufficient to determine the role of this variant in disease. Therefore, it has been classified as a Variant of Uncertain Significance.

Color Diagnostics, LLC DBA Color Health
Classification: Uncertain significance for Hereditary cancer-predisposing syndrome. Last evaluated: 2024-03-06. Review status: criteria provided, single submitter. Criteria: ACMG Guidelines, 2015. Collection method: clinical testing. Allele origin: germline.
Comment: This missense variant replaces glutamic acid with glutamine at codon 44 of the PMS2 protein. Computational prediction suggests that this variant may have deleterious impact on protein structure and function (internally defined REVEL score threshold >= 0.7, PMID: 27666373). Splice site prediction tools suggest that this variant may not impact RNA splicing. To our knowledge, functional studies have not been performed for this variant. This variant has not been reported in individuals affected with hereditary cancer in the literature. This variant has not been identified in the general population by the Genome Aggregation Database (gnomAD). The available evidence is insufficient to determine the role of this variant in disease conclusively. Therefore, this variant is classified as a Variant of Uncertain Significance.

GeneDx
Classification: Uncertain significance. Last evaluated: 2022-06-09. Review status: criteria provided, single submitter. Criteria: GeneDx Variant Classification Process June 2021. Collection method: clinical testing. Allele origin: germline. Affected: yes.
Comment: Not observed at significant frequency in large population cohorts (gnomAD); In silico analysis supports that this missense variant has a deleterious effect on protein structure/function; This variant is associated with the following publications: (PMID: 22949387, 11574484)